The following is an entry in ClinVar:

NM_004006.3(DMD):c.6291-102G>A

Gene: DMD (dystrophin; minus strand). Cytogenetic location: Xp21.1.
Variant type: single nucleotide variant.
Coding change: c.6291-102G>A on transcript NM_004006.3 (MANE Select); 102 bases into the intron before coding-DNA position 6291, G replaced by A.
Molecular consequence: intron variant.
Genome position (GRCh38, 1-based): chrX:32,217,165, C>T on the plus strand (G>A on the coding strand, the complement: DMD is on the minus strand). VCF-style: chrX-32217165-C-T. GRCh37 (hg19) VCF-style: chrX-32235282-C-T.
Other names: c.6267-102G>A (NM_000109.4); c.2268-102G>A (NM_004011.4); c.2259-102G>A (NM_004012.4); c.6279-102G>A (NM_004009.3); c.5922-102G>A (NM_004010.3).
Identifiers: ClinVar variation 675737 (VCV000675737.1), dbSNP rs72468608, ClinGen allele CA328519380.

ClinVar aggregate classification (germline): Likely benign (1 of 4 stars; one submission).

Allele frequency attached by ClinVar (database versions not stated): 1000 Genomes Project 30x 0.00166; 1000 Genomes Project 0.00212; TOPMed 0.00272; gnomAD 0.00372 and 0.00377; gnomAD exomes 0.00498.
gnomAD v4.1: 3,925 of 815,352 alleles (0.48%); highest among the groups gnomAD compares: Non-Finnish European, 0.54%; 9 homozygotes.

Submission:

GeneDx
Classification: Likely benign. Last evaluated: 2018-06-14. Review status: criteria provided, single submitter. Criteria: GeneDx Variant Classification (06012015). Collection method: clinical testing. Allele origin: germline. Affected: yes.
Comment: This variant is considered likely benign or benign based on one or more of the following criteria: it is a conservative change, it occurs at a poorly conserved position in the protein, it is predicted to be benign by multiple in silico algorithms, and/or has population frequency not consistent with disease.